The following is an entry in ClinVar:

NM_020435.4(GJC2):c.400G>A (p.Gly134Ser)

Gene: GJC2 (gap junction protein gamma 2; plus strand). Cytogenetic location: 1q42.13.
Variant type: single nucleotide variant.
Coding change: c.400G>A on transcript NM_020435.4 (MANE Select); coding-DNA position 400, G replaced by A.
Protein change: p.Gly134Ser; replaces glycine 134 with serine.
Molecular consequence: missense variant.
Genome position (GRCh38, 1-based): chr1:228,158,158, G>A. VCF-style: chr1-228158158-G-A. GRCh37 (hg19) VCF-style: chr1-228345859-G-A.
Other names: c.400G>A (NM_020435.3); short protein forms G134S.
Identifiers: ClinVar variation 2432126 (VCV002432126.9), dbSNP rs1367568012, ClinGen allele CA345097704.

ClinVar aggregate classification (germline): Uncertain significance. Review status: criteria provided, multiple submitters, no conflicts (2 of 4 stars). 4 submissions from 4 submitters: Uncertain significance (4). Last evaluated 2025-11-12.

Conditions:
Inborn genetic diseases. Identifiers: MedGen C0950123, MeSH D030342.
Leukodystrophy, hypomyelinating, 2. Also called: PELIZAEUS-MERZBACHER-LIKE DISEASE, 1. Identifiers: Orphanet 280270, Orphanet 280282, MedGen C1837355, MONDO:0012125, OMIM 608804.
Hereditary spastic paraplegia 44. Also called: SPASTIC PARAPLEGIA 44, AUTOSOMAL RECESSIVE. Identifiers: Orphanet 320401, MedGen C2750784, MONDO:0013179, OMIM 613206.
Lymphatic malformation 3 (LMPHM3). Identifiers: Orphanet 79452, MedGen C4747646, MONDO:0013278, OMIM 613480.
Spastic paraplegia. Identifiers: MedGen C0037772, HP:0001258.

Allele frequency attached by ClinVar (database versions not stated): gnomAD 0.00005; TOPMed 0.00005.
gnomAD v4.1: 33 of 1,354,422 alleles (0.0024%); highest among the groups gnomAD compares: East Asian, 0.037%; no homozygotes.

Submissions (4):

Labcorp Genetics (formerly Invitae), Labcorp
Classification: Uncertain significance for Spastic paraplegia. Last evaluated: 2025-11-12. Review status: criteria provided, single submitter. Criteria: Invitae Variant Classification Sherloc (09022015). Collection method: clinical testing. Allele origin: germline.
Comment: This sequence change replaces glycine, which is neutral and non-polar, with serine, which is neutral and polar, at codon 134 of the GJC2 protein (p.Gly134Ser). This variant is present in population databases (no rsID available, gnomAD 0.1%). This variant has not been reported in the literature in individuals affected with GJC2-related conditions. ClinVar contains an entry for this variant (Variation ID: 2432126). Invitae Evidence Modeling of protein sequence and biophysical properties (such as structural, functional, and spatial information, amino acid conservation, physicochemical variation, residue mobility, and thermodynamic stability) indicates that this missense variant is not expected to disrupt GJC2 protein function with a negative predictive value of 95%. In summary, the available evidence is currently insufficient to determine the role of this variant in disease. Therefore, it has been classified as a Variant of Uncertain Significance.

Fulgent Genetics
Classification: Uncertain significance for Leukodystrophy, hypomyelinating, 2; Hereditary spastic paraplegia 44; Lymphatic malformation 3. Last evaluated: 2024-01-15. Review status: criteria provided, single submitter. Criteria: ACMG Guidelines, 2015. Collection method: clinical testing. Allele origin: germline.

Ambry Genetics
Classification: Uncertain significance for Inborn genetic diseases. Last evaluated: 2023-02-07. Review status: criteria provided, single submitter. Criteria: Ambry Variant Classification Scheme 2023. Collection method: clinical testing. Allele origin: germline.

Revvity Omics, Revvity
Classification: Uncertain significance. Last evaluated: 2019-05-13. Review status: criteria provided, single submitter. Criteria: ACMG Guidelines, 2015. Collection method: clinical testing. Allele origin: germline.